The following is an entry in ClinVar:

NM_000414.4(HSD17B4):c.99A>G (p.Gly33=)

Gene: HSD17B4 (hydroxysteroid 17-beta dehydrogenase 4; plus strand). Cytogenetic location: 5q23.1.
Variant type: single nucleotide variant.
Coding change: c.99A>G on transcript NM_000414.4 (MANE Select); coding-DNA position 99, A replaced by G.
Protein change: p.Gly33=; no amino-acid change (glycine 33 retained).
Molecular consequence: synonymous variant. On other transcripts: missense variant (1), 5 prime UTR variant (2), intron variant (1).
Genome position (GRCh38, 1-based): chr5:119,456,355, A>G. VCF-style: chr5-119456355-A-G. GRCh37 (hg19) VCF-style: chr5-118792050-A-G.
Other names: c.109A>G (NM_001199291.2); c.109A>G, p.Ser37Gly (NM_001199291.3); c.-39A>G (NM_001292027.2); c.-313A>G (NM_001292028.2); c.58+3722A>G (NM_001199292.2); short protein forms S37G.
Identifiers: ClinVar variation 595596 (VCV000595596.15), dbSNP rs749165759, ClinGen allele CA3381662.
Genomic context (GRCh38, chr5:119,456,355, plus strand): 5'-ATTATTTTGTTTTTGATTAGGATTGGGCCGAGCCTATGCCCTGGCTTTTGCAGAAAGAGG[A>G]GCGTTAGTTGTTGGTAAGTTGGTGTGTTTTTCTTTTTAATCTGTAGCTGATAACTGAAAT-3'
Protein context (NP_000405.1, residues 23-43): RAYALAFAER[Gly33=]ALVVVNDLGG

ClinVar aggregate classification (germline): Conflicting classifications of pathogenicity. Review status: criteria provided, conflicting classifications (1 of 4 stars). 3 submissions from 3 submitters: Uncertain significance (2); Likely benign (1). Last evaluated 2026-07-25.

Conditions:
HSD17B4-related disorder. Also called: HSD17B4-related condition; HSD17B4-related disorders.
Bifunctional peroxisomal enzyme deficiency (DBIF). Also called: DBP DEFICIENCY; PBFE DEFICIENCY; D-bifunctional protein deficiency. Identifiers: Orphanet 300, MedGen C0342870, MONDO:0009855, OMIM 261515. Disease mechanism: loss of function.
Perrault syndrome. Also called: Gonadal dysgenesis with auditory dysfunction, autosomal recessive inheritance. Identifiers: Orphanet 2855, MedGen C0685838, MONDO:0017312.

Allele frequency attached by ClinVar (database versions not stated): gnomAD exomes below 0.00001; ExAC 0.00001; gnomAD 0.00003; TOPMed 0.00003.

Submissions (3):

PreventionGenetics, part of Exact Sciences
Classification: Uncertain significance for HSD17B4-related condition. Last evaluated: 2026-07-25. Review status: criteria provided, single submitter. Criteria: ACMG Guidelines, 2015. Collection method: clinical testing. Allele origin: germline.
Comment: The HSD17B4 c.109A>G variant is predicted to result in the amino acid substitution p.Ser37Gly. To our knowledge, this variant has not been reported in the literature. This variant is reported in 0.0080% of alleles in individuals of African descent in gnomAD. At this time, the clinical significance of this variant is uncertain due to the absence of conclusive functional and genetic evidence.

Labcorp Genetics (formerly Invitae), Labcorp
Classification: Likely benign for Perrault syndrome; Bifunctional peroxisomal enzyme deficiency. Last evaluated: 2023-11-30. Review status: criteria provided, single submitter. Criteria: Invitae Variant Classification Sherloc (09022015). Collection method: clinical testing. Allele origin: germline.

Eurofins Ntd Llc (ga)
Classification: Uncertain significance. Last evaluated: 2018-01-04. Review status: criteria provided, single submitter. Criteria: EGL Classification Definitions 2015. Collection method: clinical testing. Allele origin: germline. Observed: 1 variant allele, 1 heterozygote.